The following is an entry in ClinVar:

ClinVar aggregate classification (germline): Benign/Likely benign. Review status: criteria provided, multiple submitters, no conflicts (2 of 4 stars). 6 submissions from 6 submitters: Benign (3); Likely benign (2). 1 of the submissions does not count toward it. Last evaluated 2026-09-01.

Conditions:
GATA5-related disorder. Also called: GATA5-related condition.

Allele frequency attached by ClinVar (database versions not stated): 1000 Genomes Project 30x 0.00047; 1000 Genomes Project 0.00060; ESP Exome Variant Server 0.00328; TOPMed 0.00377; gnomAD 0.00452 and 0.00483; gnomAD exomes 0.00581 and 0.00725; ExAC 0.02365.
gnomAD v4.1: 9,009 of 1,318,038 alleles (0.68%); highest among the groups gnomAD compares: Non-Finnish European, 0.79%; 47 homozygotes.

Submissions (6):

CeGaT Center for Human Genetics Tuebingen
Classification: Likely benign. Last evaluated: 2026-09-01. Review status: criteria provided, single submitter. Criteria: CeGaT Center For Human Genetics Tuebingen Variant Classification Criteria Version 2. Collection method: clinical testing. Allele origin: germline. Affected: yes. Observed: 10 variant alleles.
Comment: GATA5: PP2, PP3, BS2

Labcorp Genetics (formerly Invitae), Labcorp
Classification: Benign. Last evaluated: 2026-02-03. Review status: criteria provided, single submitter. Criteria: Invitae Variant Classification Sherloc (09022015). Collection method: clinical testing. Allele origin: germline.

Blueprint Genetics
Classification: Likely benign. Last evaluated: 2024-11-28. Review status: criteria provided, single submitter. Criteria: ACMG Guidelines, 2015. Collection method: clinical testing. Allele origin: germline.

GeneDx
Classification: Benign. Last evaluated: 2018-10-23. Review status: criteria provided, single submitter. Criteria: GeneDx Variant Classification Process June 2021. Collection method: clinical testing. Allele origin: germline. Affected: yes.
Comment: This variant is associated with the following publications: (PMID: 23040494, 24796370, 22641149)

Breakthrough Genomics
Classification: Benign. Review status: criteria provided, single submitter. Criteria: ACMG Guidelines, 2015. Collection method: not provided. Allele origin: germline. Inheritance: Autosomal dominant inheritance. Affected: yes.

PreventionGenetics, part of Exact Sciences
Classification: Likely benign for GATA5-related condition. Last evaluated: 2020-02-27. Review status: no assertion criteria provided. Collection method: clinical testing. Allele origin: germline. Not counted in ClinVar's aggregate classification.
Comment: This variant is classified as likely benign based on ACMG/AMP sequence variant interpretation guidelines (Richards et al. 2015 PMID: 25741868, with internal and published modifications).

NM_080473.5(GATA5):c.8A>G (p.Gln3Arg)

Gene: GATA5 (GATA binding protein 5; minus strand). Cytogenetic location: 20q13.33.
Variant type: single nucleotide variant.
Coding change: c.8A>G on transcript NM_080473.5 (MANE Select); coding-DNA position 8, A replaced by G.
Protein change: p.Gln3Arg; replaces glutamine 3 with arginine.
Molecular consequence: missense variant.
Genome position (GRCh38, 1-based): chr20:62,475,514, T>C on the plus strand (A>G on the coding strand, the complement: GATA5 is on the minus strand). VCF-style: chr20-62475514-T-C. GRCh37 (hg19) VCF-style: chr20-61050570-T-C.
Other names: short protein forms Q3R.
Identifiers: ClinVar variation 180366 (VCV000180366.37), dbSNP rs113068438, ClinGen allele CA346355.
Genomic context (GRCh38, chr20:62,475,514, plus strand): 5'-AGGAAGGAGCCCGAGTCGGCGTAGGCGGCCTGGCGGGGGCTCGCGGCCAGCGCCAGGCTC[T>C]GGTACATCCTCCCAGGCGTGGTCTTGACCTGCAGGGAAGAGGGACAGGTGTGGAGGTCAC-3'
Protein context (NP_536721.1, residues 1-13): MY[Gln3Arg]SLALAASPRQ